The following is an entry in ClinVar:

ClinVar aggregate classification (germline): Uncertain significance. Review status: criteria provided, multiple submitters, no conflicts (2 of 4 stars). 4 submissions from 4 submitters: Uncertain significance (4). Last evaluated 2024-02-27.

Conditions:
Inborn genetic diseases. Identifiers: MedGen C0950123, MeSH D030342.
Finnish congenital nephrotic syndrome (NPHS1). Also called: NEPHROTIC SYNDROME, TYPE 1. Identifiers: Orphanet 839, MedGen C0403399, MONDO:0009732, OMIM 256300.

Allele frequency attached by ClinVar (database versions not stated): gnomAD 0.00001; gnomAD exomes 0.00001 and 0.00003; TOPMed 0.00001; ExAC 0.00003.
gnomAD v4.1: 25 of 1,612,460 alleles (0.0016%); highest among the groups gnomAD compares: Middle Eastern, 0.16%; no homozygotes.

Submissions (4):

Ambry Genetics
Classification: Uncertain significance for Inborn genetic diseases. Last evaluated: 2024-02-27. Review status: criteria provided, single submitter. Criteria: Ambry Variant Classification Scheme 2023. Collection method: clinical testing. Allele origin: germline.

Fulgent Genetics
Classification: Uncertain significance for Finnish congenital nephrotic syndrome. Last evaluated: 2022-03-29. Review status: criteria provided, single submitter. Criteria: ACMG Guidelines, 2015. Collection method: clinical testing. Allele origin: unknown.

Labcorp Genetics (formerly Invitae), Labcorp
Classification: Uncertain significance. Last evaluated: 2021-10-14. Review status: criteria provided, single submitter. Criteria: Invitae Variant Classification Sherloc (09022015). Collection method: clinical testing. Allele origin: germline.
Comment: This sequence change replaces valine with methionine at codon 204 of the NPHS1 protein (p.Val204Met). The valine residue is highly conserved and there is a small physicochemical difference between valine and methionine. This variant is present in population databases (rs773027675, ExAC 0.006%). This variant has not been reported in the literature in individuals affected with NPHS1-related conditions. Algorithms developed to predict the effect of missense changes on protein structure and function are either unavailable or do not agree on the potential impact of this missense change (SIFT: "Deleterious"; PolyPhen-2: "Probably Damaging"; Align-GVGD: "Class C0"). In summary, the available evidence is currently insufficient to determine the role of this variant in disease. Therefore, it has been classified as a Variant of Uncertain Significance.

Genome-Nilou Lab
Classification: Uncertain significance for Finnish congenital nephrotic syndrome. Last evaluated: 2021-07-22. Review status: criteria provided, single submitter. Criteria: ACMG Guidelines, 2015. Collection method: clinical testing. Allele origin: germline. Affected: no.

NM_004646.4(NPHS1):c.610G>A (p.Val204Met)

Gene: NPHS1 (NPHS1 adhesion molecule, nephrin; minus strand). Cytogenetic location: 19q13.12.
Variant type: single nucleotide variant.
Coding change: c.610G>A on transcript NM_004646.4 (MANE Select); coding-DNA position 610, G replaced by A.
Protein change: p.Val204Met; replaces valine 204 with methionine.
Molecular consequence: missense variant.
Genome position (GRCh38, 1-based): chr19:35,849,652, C>T on the plus strand (G>A on the coding strand, the complement: NPHS1 is on the minus strand). VCF-style: chr19-35849652-C-T. GRCh37 (hg19) VCF-style: chr19-36340554-C-T.
Other names: short protein forms V204M.
Identifiers: ClinVar variation 1210443 (VCV001210443.7), dbSNP rs773027675, ClinGen allele CA9390721.